The following is an entry in ClinVar:

ClinVar aggregate classification (germline): Likely benign (0 of 4 stars; one submission).

Conditions:
CDH19-related disorder. Also called: CDH19-related condition.

Allele frequency attached by ClinVar (database versions not stated): ESP Exome Variant Server 0.00008; gnomAD 0.00009; TOPMed 0.00022; ExAC 0.00048.
gnomAD v4.1: 124 of 1,613,918 alleles (0.0077%); highest among the groups gnomAD compares: Admixed American, 0.19%; 2 homozygotes.

Submission:

PreventionGenetics, part of Exact Sciences
Classification: Likely benign for CDH19-related condition. Last evaluated: 2022-02-07. Review status: no assertion criteria provided. Collection method: clinical testing. Allele origin: germline.
Comment: This variant is classified as likely benign based on ACMG/AMP sequence variant interpretation guidelines (Richards et al. 2015 PMID: 25741868, with internal and published modifications).

NM_021153.4(CDH19):c.1079A>G (p.Gln360Arg)

Gene: CDH19 (cadherin 19; minus strand). Cytogenetic location: 18q22.1.
Variant type: single nucleotide variant.
Coding change: c.1079A>G on transcript NM_021153.4 (MANE Select); coding-DNA position 1079, A replaced by G.
Protein change: p.Gln360Arg; replaces glutamine 360 with arginine.
Molecular consequence: missense variant. On other transcripts: non-coding transcript variant (1).
Genome position (GRCh38, 1-based): chr18:66,544,106, T>C on the plus strand (A>G on the coding strand, the complement: CDH19 is on the minus strand). VCF-style: chr18-66544106-T-C. GRCh37 (hg19) VCF-style: chr18-64211343-T-C.
Other names: c.1079A>G, p.Gln360Arg (NM_001271028.2); short protein forms Q360R.
Identifiers: ClinVar variation 3034498 (VCV003034498.2), dbSNP rs144091143, ClinGen allele CA8991981.